The following is an entry in ClinVar:

ClinVar aggregate classification (germline): Uncertain significance. Review status: criteria provided, multiple submitters, no conflicts (2 of 4 stars). 3 submissions from 3 submitters: Uncertain significance (3). Last evaluated 2023-12-09.

Conditions:
Parietal foramina 2 (PFM2). Identifiers: Orphanet 60015, MedGen C1865044, MONDO:0012309, OMIM 609597.
Inborn genetic diseases. Identifiers: MedGen C0950123, MeSH D030342.

gnomAD v4.1: 22 of 1,571,358 alleles (0.0014%); highest among the groups gnomAD compares: African/African-American, 0.0027%; no homozygotes.

Submissions (3):

Ambry Genetics
Classification: Uncertain significance for Inborn genetic diseases. Last evaluated: 2023-12-09. Review status: criteria provided, single submitter. Criteria: Ambry Variant Classification Scheme 2023. Collection method: clinical testing. Allele origin: germline.

Labcorp Genetics (formerly Invitae), Labcorp
Classification: Uncertain significance. Last evaluated: 2022-06-09. Review status: criteria provided, single submitter. Criteria: Invitae Variant Classification Sherloc (09022015). Collection method: clinical testing. Allele origin: germline.
Comment: This sequence change replaces proline, which is neutral and non-polar, with arginine, which is basic and polar, at codon 116 of the ALX4 protein (p.Pro116Arg). The frequency data for this variant in the population databases is considered unreliable, as metrics indicate poor data quality at this position in the gnomAD database. This variant has not been reported in the literature in individuals affected with ALX4-related conditions. ClinVar contains an entry for this variant (Variation ID: 879086). Algorithms developed to predict the effect of missense changes on protein structure and function are either unavailable or do not agree on the potential impact of this missense change (SIFT: "Tolerated"; PolyPhen-2: "Possibly Damaging"; Align-GVGD: "Class C0"). In summary, the available evidence is currently insufficient to determine the role of this variant in disease. Therefore, it has been classified as a Variant of Uncertain Significance.

Illumina Laboratory Services, Illumina
Classification: Uncertain significance for Parietal foramina 2. Last evaluated: 2018-01-13. Review status: criteria provided, single submitter. Criteria: ICSL Variant Classification Criteria 13 December 2019. Collection method: clinical testing. Allele origin: germline.

NM_021926.4(ALX4):c.347C>G (p.Pro116Arg)

Gene: ALX4 (ALX homeobox 4; minus strand). Cytogenetic location: 11p11.2.
Variant type: single nucleotide variant.
Coding change: c.347C>G on transcript NM_021926.4 (MANE Select); coding-DNA position 347, C replaced by G.
Protein change: p.Pro116Arg; replaces proline 116 with arginine.
Molecular consequence: missense variant.
Genome position (GRCh38, 1-based): chr11:44,309,716, G>C on the plus strand (C>G on the coding strand, the complement: ALX4 is on the minus strand). VCF-style: chr11-44309716-G-C. GRCh37 (hg19) VCF-style: chr11-44331266-G-C.
Other names: short protein forms P116R.
Identifiers: ClinVar variation 879086 (VCV000879086.9), dbSNP rs772691401, ClinGen allele CA221922910.